The following is an entry in ClinVar:

NM_001372078.1(REV3L):c.2619G>A (p.Leu873=)

Gene: REV3L (REV3 like, DNA directed polymerase zeta catalytic subunit; minus strand). Cytogenetic location: 6q21.
Variant type: single nucleotide variant.
Coding change: c.2619G>A on transcript NM_001372078.1 (MANE Select); coding-DNA position 2619, G replaced by A.
Protein change: p.Leu873=; no amino-acid change (leucine 873 retained).
Molecular consequence: synonymous variant.
Genome position (GRCh38, 1-based): chr6:111,375,736, C>T on the plus strand (G>A on the coding strand, the complement: REV3L is on the minus strand). VCF-style: chr6-111375736-C-T. GRCh37 (hg19) VCF-style: chr6-111696939-C-T.
Other names: c.2385G>A, p.Leu795= (NM_001286431.2, NM_001286432.2); c.2619G>A, p.Leu873= (NM_002912.5).
Identifiers: ClinVar variation 769318 (VCV000769318.6), dbSNP rs3218594, ClinGen allele CA3962337.

ClinVar aggregate classification (germline): Benign. Review status: criteria provided, single submitter (1 of 4 stars). 2 submissions from 2 submitters: Benign (1). 1 of the submissions does not count toward it. Last evaluated 2019-12-31.

Conditions:
REV3L-related disorder. Also called: REV3L-related condition.

Allele frequency attached by ClinVar (database versions not stated): gnomAD exomes 0.00043 and 0.00118; ExAC 0.00149; gnomAD 0.00322 and 0.00343; 1000 Genomes Project 0.00359; ESP Exome Variant Server 0.00369; TOPMed 0.00386; 1000 Genomes Project 30x 0.00422.
gnomAD v4.1: 1,156 of 1,613,550 alleles (0.072%); highest among the groups gnomAD compares: African/African-American, 1.1%; 1 homozygote.

Submissions (2):

Labcorp Genetics (formerly Invitae), Labcorp
Classification: Benign. Last evaluated: 2019-12-31. Review status: criteria provided, single submitter. Criteria: Invitae Variant Classification Sherloc (09022015). Collection method: clinical testing. Allele origin: germline.

PreventionGenetics, part of Exact Sciences
Classification: Benign for REV3L-related condition. Last evaluated: 2019-03-07. Review status: no assertion criteria provided. Collection method: clinical testing. Allele origin: germline. Not counted in ClinVar's aggregate classification.
Comment: This variant is classified as benign based on ACMG/AMP sequence variant interpretation guidelines (Richards et al. 2015 PMID: 25741868, with internal and published modifications).